The following is an entry in ClinVar:

NM_000432.4(MYL2):c.260G>C (p.Gly87Ala)

Gene: MYL2 (myosin light chain 2; minus strand). Cytogenetic location: 12q24.11.
Variant type: single nucleotide variant.
Coding change: c.260G>C on transcript NM_000432.4 (MANE Select); coding-DNA position 260, G replaced by C.
Protein change: p.Gly87Ala; replaces glycine 87 with alanine.
Molecular consequence: missense variant.
Genome position (GRCh38, 1-based): chr12:110,914,200, C>G on the plus strand (G>C on the coding strand, the complement: MYL2 is on the minus strand). VCF-style: chr12-110914200-C-G. GRCh37 (hg19) VCF-style: chr12-111352004-C-G.
Other names: short protein forms G87A.
Identifiers: ClinVar variation 43461 (VCV000043461.9), dbSNP rs397516399, ClinGen allele CA009968.

ClinVar aggregate classification (germline): Conflicting classifications of pathogenicity. Review status: criteria provided, conflicting classifications (1 of 4 stars). 3 submissions from 3 submitters: Likely pathogenic (1); Uncertain significance (2). Last evaluated 2020-03-25.

Conditions:
Cardiovascular phenotype. Identifiers: MedGen CN230736.
Hypertrophic cardiomyopathy. Also called: HYPERTROPHIC MYOCARDIOPATHY. Identifiers: Orphanet 217569, MedGen C0007194, MeSH D002312, MONDO:0005045, HP:0001639.

Submissions (3):

Ambry Genetics
Classification: Uncertain significance for Cardiovascular phenotype. Last evaluated: 2020-03-25. Review status: criteria provided, single submitter. Criteria: Ambry Variant Classification Scheme 2023. Collection method: clinical testing. Allele origin: germline.
Comment: The p.G87A variant (also known as c.260G>C), located in coding exon 4 of the MYL2 gene, results from a G to C substitution at nucleotide position 260. The glycine at codon 87 is replaced by alanine, an amino acid with similar properties. This amino acid position is highly conserved in available vertebrate species. This alteration has been reported in multiple hypertrophic cardiomyopathy (HCM) cohorts; however, clinical details were limited (Lopes LR et al. Heart, 2015 Feb;101:294-301; Alfares AA et al. Genet. Med., 2015 Nov;17:880-8; Norrish G et al. Circulation, 2019 Jul;140:184-192). Furthermore, two different variants impacting the same amino acid, p.G87E and p.G87W, have also been reported in hypertrophic cardiomyopathy (HCM) cohorts with limited clinical information provided (Zou Y et al. Mol. Biol. Rep., 2013 Jun;40:3969-76; Wang J et al. Eur. J. Heart Fail., 2014 Sep;16:950-7). In addition, the in silico prediction for this alteration is inconclusive. Since supporting evidence is limited at this time, the clinical significance of this alteration remains unclear.

GeneDx
Classification: Uncertain significance. Last evaluated: 2019-10-11. Review status: criteria provided, single submitter. Criteria: GeneDx Variant Classification Process June 2021. Collection method: clinical testing. Allele origin: germline. Affected: yes.
Comment: Reported in association with HCM, though patient-specific clinical and family data were not provided (Lopes et al., 2015; Walsh et al., 2017; Norrish et al., 2019); Not observed in large population cohorts (Lek et al., 2016); In silico analysis, which includes protein predictors and evolutionary conservation, supports a deleterious effect; This variant is associated with the following publications: (PMID: 25351510, 27532257, 31006259)

Laboratory for Molecular Medicine, Mass General Brigham Personalized Medicine
Classification: Likely pathogenic for Hypertrophic cardiomyopathy. Last evaluated: 2017-02-16. Review status: criteria provided, single submitter. Criteria: LMM Criteria. Collection method: clinical testing. Allele origin: germline. Inheritance: Autosomal dominant inheritance. Observed: 8 variant alleles.
Comment: The p.Gly87Ala variant in MYL2 has been identified by our laboratory in 2 indivi duals with HCM and segregated with disease in 4 affected relatives. It has not b een identified in large population studies. This variant was predicted to be pat hogenic using a computational tool clinically validated by our laboratory. This tool's pathogenic prediction is estimated to be correct 94% of the time (Jordan 2011). In summary, although additional studies are required to fully establish i ts clinical significance, the p.Gly87Ala variant is likely pathogenic.

Literature cited by the submitters: PubMed 23283745 (cited by Ambry Genetics); PubMed 25132132 (cited by Ambry Genetics); PubMed 25351510 (cited by Ambry Genetics); PubMed 25611685 (cited by Ambry Genetics); PubMed 31006259 (cited by Ambry Genetics).